The following is an entry in ClinVar:

NM_004082.5(DCTN1):c.1364G>A (p.Arg455His)

Gene: DCTN1 (dynactin subunit 1; minus strand). Cytogenetic location: 2p13.1.
Variant type: single nucleotide variant.
Coding change: c.1364G>A on transcript NM_004082.5 (MANE Select); coding-DNA position 1364, G replaced by A.
Protein change: p.Arg455His; replaces arginine 455 with histidine.
Molecular consequence: missense variant. On other transcripts: non-coding transcript variant (1).
Genome position (GRCh38, 1-based): chr2:74,369,993, C>T on the plus strand (G>A on the coding strand, the complement: DCTN1 is on the minus strand). VCF-style: chr2-74369993-C-T. GRCh37 (hg19) VCF-style: chr2-74597120-C-T.
Other names: c.1304G>A, p.Arg435His (NM_001135040.3); c.962G>A, p.Arg321His (NM_001135041.3, NM_023019.4); c.1253G>A, p.Arg418His (NM_001190836.2); c.1343G>A, p.Arg448His (NM_001190837.2); c.1313G>A, p.Arg438His (NM_001378991.1); c.1295G>A, p.Arg432His (NM_001378992.1); short protein forms R455H, R418H, R321H, R448H, R435H, R432H, R438H.
Identifiers: ClinVar variation 577645 (VCV000577645.9), dbSNP rs763277715, ClinGen allele CA1722177.

ClinVar aggregate classification (germline): Uncertain significance (1 of 4 stars; one submission).

Conditions:
Amyotrophic lateral sclerosis type 1 (ALS1). Also called: AMYOTROPHIC LATERAL SCLEROSIS 1, FAMILIAL. Identifiers: Orphanet 803, MedGen C1862939, MONDO:0007103, OMIM 105400.
Perry syndrome. Also called: PARKINSONISM WITH ALVEOLAR HYPOVENTILATION AND MENTAL DEPRESSION. Identifiers: Orphanet 178509, MedGen C1868594, MONDO:0008201, OMIM 168605.
Neuronopathy, distal hereditary motor, type 7B. Also called: Distal Hereditary Motor Neuronopathy Type 7B (dHMN7B); NEURONOPATHY, DISTAL HEREDITARY MOTOR, AUTOSOMAL DOMINANT 14; NEURONOPATHY, DISTAL HEREDITARY MOTOR, HARDING TYPE VIIB; NEUROPATHY, DISTAL HEREDITARY MOTOR, HARDING TYPE VIIB; NEUROPATHY, DISTAL HEREDITARY MOTOR, WITH VOCAL CORD PARALYSIS, HARDING TYPE VIIB; HMN VIIB. Identifiers: Orphanet 139589, MedGen C1843315, MONDO:0011879, OMIM 607641.

Allele frequency attached by ClinVar (database versions not stated): TOPMed below 0.00001; gnomAD 0.00001; gnomAD exomes 0.00001; ExAC 0.00002.
gnomAD v4.1: 16 of 1,614,072 alleles (0.00099%); highest among the groups gnomAD compares: Non-Finnish European, 0.0014%; no homozygotes.

Submission:

Labcorp Genetics (formerly Invitae), Labcorp
Classification: Uncertain significance for Amyotrophic lateral sclerosis type 1; Neuronopathy, distal hereditary motor, type 7B; Perry syndrome. Last evaluated: 2024-05-13. Review status: criteria provided, single submitter. Criteria: Invitae Variant Classification Sherloc (09022015). Collection method: clinical testing. Allele origin: germline.
Comment: This sequence change replaces arginine, which is basic and polar, with histidine, which is basic and polar, at codon 455 of the DCTN1 protein (p.Arg455His). This variant is present in population databases (rs763277715, gnomAD 0.003%). This variant has not been reported in the literature in individuals affected with DCTN1-related conditions. ClinVar contains an entry for this variant (Variation ID: 577645). Advanced modeling of protein sequence and biophysical properties (such as structural, functional, and spatial information, amino acid conservation, physicochemical variation, residue mobility, and thermodynamic stability) performed at Invitae indicates that this missense variant is expected to disrupt DCTN1 protein function with a positive predictive value of 80%. In summary, the available evidence is currently insufficient to determine the role of this variant in disease. Therefore, it has been classified as a Variant of Uncertain Significance.